The following is an entry in ClinVar:

ClinVar aggregate classification (germline): Uncertain significance (1 of 4 stars; one submission).

Conditions:
Inborn genetic diseases. Identifiers: MedGen C0950123, MeSH D030342.

Submission:

Ambry Genetics
Classification: Uncertain significance for Inborn genetic diseases. Last evaluated: 2024-11-26. Review status: criteria provided, single submitter. Criteria: Ambry Variant Classification Scheme 2023. Collection method: clinical testing. Allele origin: germline.
Comment: The p.D127A variant (also known as c.380A>C), located in coding exon 3 of the PAX5 gene, results from an A to C substitution at nucleotide position 380. The aspartic acid at codon 127 is replaced by alanine, an amino acid with dissimilar properties. This amino acid position is conserved. In addition, this alteration is predicted to be deleterious by in silico analysis. Based on the available evidence, the clinical significance of this variant remains unclear.

NM_016734.3(PAX5):c.380A>C (p.Asp127Ala)

Gene: PAX5 (paired box 5; minus strand). Cytogenetic location: 9p13.2.
Variant type: single nucleotide variant.
Coding change: c.380A>C on transcript NM_016734.3 (MANE Select); coding-DNA position 380, A replaced by C.
Protein change: p.Asp127Ala; replaces aspartic acid 127 with alanine.
Molecular consequence: missense variant. On other transcripts: non-coding transcript variant (2), intron variant (1).
Genome position (GRCh38, 1-based): chr9:37,015,027, T>G on the plus strand (A>C on the coding strand, the complement: PAX5 is on the minus strand). VCF-style: chr9-37015027-T-G. GRCh37 (hg19) VCF-style: chr9-37015024-T-G.
Other names: c.380A>C, p.Asp127Ala (NM_001280547.2, NM_001280548.2, NM_001280549.2 and 4 more transcripts); c.56A>C, p.Asp19Ala (NM_001280551.2, NM_001280556.2); c.212+5609A>C (NM_001280555.2); short protein forms D19A, D127A.
Identifiers: ClinVar variation 3414539 (VCV003414539.1).